The following is an entry in ClinVar:

ClinVar aggregate classification (germline): Uncertain significance (1 of 4 stars; one submission).

Submission:

CeGaT Center for Human Genetics Tuebingen
Classification: Uncertain significance. Last evaluated: 2022-08-01. Review status: criteria provided, single submitter. Criteria: CeGaT Center For Human Genetics Tuebingen Variant Classification Criteria Version 2. Collection method: clinical testing. Allele origin: germline. Affected: yes. Observed: 1 variant allele.
Comment: DUOX1: PM2, BP4

NM_175940.3(DUOX1):c.1264A>T (p.Ser422Cys)

Gene: DUOX1 (dual oxidase 1; plus strand). Cytogenetic location: 15q21.1.
Variant type: single nucleotide variant.
Coding change: c.1264A>T on transcript NM_175940.3 (MANE Select); coding-DNA position 1264, A replaced by T.
Protein change: p.Ser422Cys; replaces serine 422 with cysteine.
Molecular consequence: missense variant.
Genome position (GRCh38, 1-based): chr15:45,139,474, A>T. VCF-style: chr15-45139474-A-T. GRCh37 (hg19) VCF-style: chr15-45431672-A-T.
Other names: c.1264A>T, p.Ser422Cys (NM_017434.5); short protein forms S422C.
Identifiers: ClinVar variation 2645296 (VCV002645296.24), dbSNP rs2505021896, ClinGen allele CA392246213.